The following is an entry in ClinVar:

NM_145207.3(AFG2A):c.760_761insGA (p.Lys254fs)

Gene: AFG2A (AAA ATPase AFG2A; plus strand). Cytogenetic location: 4q28.1.
Variant type: Insertion.
Coding change: c.760_761insGA on transcript NM_145207.3 (MANE Select); coding-DNA positions 760 to 761, GA inserted.
Protein change: p.Lys254fs; shifts the reading frame from lysine 254.
Molecular consequence: frameshift variant.
Genome position: GRCh38 VCF-style: chr4-122934350-T-TAG. GRCh37 (hg19) VCF-style: chr4-123855505-T-TAG.
Other names: c.757_758insGA, p.Lys253fs (NM_001317799.2, NM_001345856.2, NM_001437913.1); c.760_761insGA, p.Lys254fs (NM_001438322.1); short protein forms K253fs, K254fs.
Identifiers: ClinVar variation 5041589 (VCV005041589.1).
Genomic context (GRCh38, chr4:122,934,350, plus strand): 5'-ACAGCTAAGCCAGTTAGATCTGGAGGATACCCAGATCCCAACATCAAGAAGTACTCCTTA[T>TAG]AAACCAATTGATGACAGAATTACAAATAAAGCCAGTGATGTTTTGCTGGATGTTACACAG-3'

ClinVar aggregate classification (germline): Pathogenic (1 of 4 stars; one submission).

Submission:

CeGaT Center for Human Genetics Tuebingen
Classification: Pathogenic. Last evaluated: 2026-09-01. Review status: criteria provided, single submitter. Criteria: CeGaT Center For Human Genetics Tuebingen Variant Classification Criteria Version 2. Collection method: clinical testing. Allele origin: germline. Affected: yes. Observed: 1 variant allele.
Comment: AFG2A: PVS1, PM2